The following is an entry in ClinVar:

NM_178452.6(DNAAF1):c.508dup (p.Glu170fs)

Gene: DNAAF1 (dynein axonemal assembly factor 1; plus strand). Cytogenetic location: 16q24.1.
Variant type: Duplication.
Coding change: c.508dup on transcript NM_178452.6 (MANE Select); coding-DNA position 508, one base duplicated (G; older notation c.508dupG).
Protein change: p.Glu170fs; shifts the reading frame from glutamic acid 170.
Molecular consequence: frameshift variant.
Genome position (GRCh38, 1-based): chr16:84,154,732, G duplicated; the last of 2 consecutive G bases (chr16:84,154,731-84,154,732); duplicating either gives the same sequence. VCF-style (leftmost placement, unchanged base first): chr16-84154730-T-TG. GRCh37 (hg19) VCF-style: chr16-84188335-T-TG.
Other names: short protein forms E170fs.
Identifiers: ClinVar variation 266 (VCV000000266.8), dbSNP rs786205052, ClinGen allele CA251404.
Genomic context (GRCh38, chr16:84,154,730, plus strand): 5'-CCCAAACTGAGTTGCGTTGCCTCTTCTTGCAAATGAACTTGCTCCGTAAAATTGAGAACC[T>TG]GGAACCTCTGCAGAAACTGGATGCTCTTAACCTCAGCAACAATTACATCAAGACCATTGA-3'

ClinVar aggregate classification (germline): Pathogenic. Review status: criteria provided, single submitter (1 of 4 stars). 2 submissions from 2 submitters: Pathogenic (1). 1 of the submissions does not count toward it. Last evaluated 2017-05-26.

Conditions:
Primary ciliary dyskinesia. Also called: Ciliary dyskinesia. Identifiers: Orphanet 244, MedGen C0008780, MONDO:0016575, HP:0012265.
Primary ciliary dyskinesia 13. Also called: CILIARY DYSKINESIA, PRIMARY, 13, WITH OR WITHOUT SITUS INVERSUS. Identifiers: MedGen C2750790, MONDO:0013174, OMIM 613193, Orphanet 244.

Submissions (2):

Labcorp Genetics (formerly Invitae), Labcorp
Classification: Pathogenic for Primary ciliary dyskinesia. Last evaluated: 2017-05-26. Review status: criteria provided, single submitter. Criteria: Invitae Variant Classification Sherloc (09022015). Collection method: clinical testing. Allele origin: germline.
Comment: For these reasons, this variant has been classified as Pathogenic. Loss-of-function variants in DNAAF1 are known to be pathogenic (PMID: 19944405, 19944400). This variant has been reported in an individual affected with primary ciliary dyskinesia (PMID: 19944405). ClinVar contains an entry for this variant (Variation ID: 266). This variant is present in population databases (rs754412679, ExAC 0.001%). This sequence change creates a premature translational stop signal (p.Glu170Glyfs*10) in the DNAAF1 gene. It is expected to result in an absent or disrupted protein product.

OMIM
Classification: Pathogenic for CILIARY DYSKINESIA, PRIMARY, 13. Last evaluated: 2009-12-01. Review status: no assertion criteria provided. Collection method: literature only. Allele origin: germline. Not counted in ClinVar's aggregate classification.

Literature cited by the submitters: PubMed 19944405 (cited by Labcorp Genetics (formerly Invitae), Labcorp and OMIM); PubMed 19944400 (cited by Labcorp Genetics (formerly Invitae), Labcorp).